The following is an entry in ClinVar:

NM_003142.5(SSB):c.1108CATGATGAA[1] (p.370HDE[1])

Gene: SSB (small RNA binding exonuclease protection factor La; plus strand). Cytogenetic location: 2q31.1.
Variant type: Microsatellite.
Coding change: c.1108CATGATGAA[1] on transcript NM_003142.5 (MANE Select); one copy of the 9-base unit CATGATGAA starting at c.1108; the reference has two copies in a row; one copy, 9 bases deleted.
Protein change: p.370HDE[1].
Molecular consequence: inframe deletion.
Genome position (GRCh38, 1-based): chr2:169,811,302-169,811,310, CATGATGAA deleted; deleting any 9 consecutive bases within chr2:169,811,285-169,811,310 gives the same sequence; the position shown is the placement nearest the transcript's 3' end. VCF-style (leftmost placement, unchanged base first): chr2-169811284-GATGATGAAC-G. GRCh37 (hg19) VCF-style: chr2-170667794-GATGATGAAC-G.
Other names: c.1108CATGATGAA[1], p.370HDE[1] (NM_001294145.2).
Identifiers: ClinVar variation 3341507 (VCV003341507.16).

ClinVar aggregate classification (germline): Likely benign (1 of 4 stars; one submission).

Submission:

CeGaT Center for Human Genetics Tuebingen
Classification: Likely benign. Last evaluated: 2026-09-01. Review status: criteria provided, single submitter. Criteria: CeGaT Center For Human Genetics Tuebingen Variant Classification Criteria Version 2. Collection method: clinical testing. Allele origin: germline. Affected: yes. Observed: 14 variant alleles.
Comment: SSB: PM4, BS2